The following is an entry in ClinVar:

NM_177559.3(CSNK2A1):c.571C>T (p.Arg191Ter)

Gene: CSNK2A1 (casein kinase 2 alpha 1; minus strand). Cytogenetic location: 20p13.
Variant type: single nucleotide variant.
Coding change: c.571C>T on transcript NM_177559.3 (MANE Select); coding-DNA position 571, C replaced by T.
Protein change: p.Arg191Ter; replaces arginine 191 with a stop codon.
Molecular consequence: nonsense.
Genome position (GRCh38, 1-based): chr20:492,304, G>A on the plus strand (C>T on the coding strand, the complement: CSNK2A1 is on the minus strand). VCF-style: chr20-492304-G-A. GRCh37 (hg19) VCF-style: chr20-472948-G-A.
Other names: c.571C>T, p.Arg191Ter (NM_001362770.2, NM_001362771.2, NM_001895.4); c.163C>T, p.Arg55Ter (NM_177560.3); short protein forms R191*, R55*.
Identifiers: ClinVar variation 1310288 (VCV001310288.2), dbSNP rs1177251051, ClinGen allele CA407931102.

ClinVar aggregate classification (germline): Uncertain significance (1 of 4 stars; one submission).

Allele frequency attached by ClinVar (database versions not stated): gnomAD exomes below 0.00001.
gnomAD v4.1: 1 of 1,613,780 alleles (0.000062%); no homozygotes.

Submission:

GeneDx
Classification: Uncertain significance. Last evaluated: 2019-11-18. Review status: criteria provided, single submitter. Criteria: GeneDx Variant Classification Process June 2021. Collection method: clinical testing. Allele origin: germline. Affected: yes.
Comment: Nonsense variant predicted to result in protein truncation or nonsense mediated decay in a gene for which loss-of-function is not a known mechanism of disease; This variant is associated with the following publications: (PMID: 30655572)